The following is an entry in ClinVar:

ClinVar aggregate classification (germline): Likely benign. Review status: criteria provided, multiple submitters, no conflicts (2 of 4 stars). 3 submissions from 3 submitters: Likely benign (3). Last evaluated 2026-03-12.

Conditions:
KIF1A-related disorder. Also called: KIF1A-related disorders; KIF1A-related condition.
Intellectual disability, autosomal dominant 9 (NESCAVS). Also called: KIF1A-Related Neurodevelopmental Disorder; NESCAV SYNDROME. Identifiers: Orphanet 662367, MedGen C5393830, MONDO:0013656, OMIM 614255.
Neuropathy, hereditary sensory, type 2C. Also called: KIF1A-Related HSAN2 (HSAN2C); Hereditary sensory and autonomic neuropathy type IIC. Identifiers: Orphanet 970, MedGen C3280168, MONDO:0013634, OMIM 614213.
Hereditary spastic paraplegia 30. Identifiers: Orphanet 101010, MedGen C5235139, MONDO:0012476.

Allele frequency attached by ClinVar (database versions not stated): gnomAD 0.00016 and 0.00019; ExAC 0.00019; TOPMed 0.00020; ESP Exome Variant Server 0.00039; 1000 Genomes Project 0.00080; 1000 Genomes Project 30x 0.00109.
gnomAD v4.1: 76 of 1,590,666 alleles (0.0048%); highest among the groups gnomAD compares: African/African-American, 0.051%; 2 homozygotes.

Submissions (3):

PreventionGenetics, part of Exact Sciences
Classification: Likely benign for KIF1A-related condition. Last evaluated: 2026-03-12. Review status: criteria provided, single submitter. Criteria: ACMG Guidelines, 2015. Collection method: clinical testing. Allele origin: germline.
Comment: This variant is classified as likely benign based on ACMG/AMP sequence variant interpretation guidelines (Richards et al. 2015 PMID: 25741868, with internal and published modifications).

Labcorp Genetics (formerly Invitae), Labcorp
Classification: Likely benign for Hereditary spastic paraplegia 30; Neuropathy, hereditary sensory, type 2C; Intellectual disability, autosomal dominant 9. Last evaluated: 2025-11-23. Review status: criteria provided, single submitter. Criteria: Invitae Variant Classification Sherloc (09022015). Collection method: clinical testing. Allele origin: germline.

GeneDx
Classification: Likely benign. Last evaluated: 2020-10-21. Review status: criteria provided, single submitter. Criteria: GeneDx Variant Classification Process June 2021. Collection method: clinical testing. Allele origin: germline. Affected: yes.

NM_001244008.2(KIF1A):c.2106C>T (p.Pro702=)

Gene: KIF1A (kinesin family member 1A; minus strand). Cytogenetic location: 2q37.3.
Variant type: single nucleotide variant.
Coding change: c.2106C>T on transcript NM_001244008.2 (MANE Select); coding-DNA position 2106, C replaced by T.
Protein change: p.Pro702=; no amino-acid change (proline 702 retained).
Molecular consequence: synonymous variant.
Genome position (GRCh38, 1-based): chr2:240,762,729, G>A on the plus strand (C>T on the coding strand, the complement: KIF1A is on the minus strand). VCF-style: chr2-240762729-G-A. GRCh37 (hg19) VCF-style: chr2-241702146-G-A.
Other names: c.2106C>T, p.Pro702= (NM_001320705.2, NM_001330289.2, NM_001379638.1); c.2181C>T, p.Pro727= (NM_001330290.2, NM_001379631.1, NM_001379634.1 and 2 more transcripts); c.2079C>T, p.Pro693= (NM_001379632.1, NM_001379633.1, NM_001379636.1 and 10 more transcripts); c.2154C>T, p.Pro718= (NM_001379637.1, NM_001379648.1); c.2106C>T (NM_001244008.1).
Identifiers: ClinVar variation 703579 (VCV000703579.12), dbSNP rs372340696, ClinGen allele CA2208198.